The following is an entry in ClinVar:

NM_001378328.1(CELSR1):c.7179C>A (p.Pro2393=)

Gene: CELSR1 (cadherin EGF LAG seven-pass G-type receptor 1; minus strand). Cytogenetic location: 22q13.31.
Variant type: single nucleotide variant.
Coding change: c.7179C>A on transcript NM_001378328.1 (MANE Select); coding-DNA position 7179, C replaced by A.
Protein change: p.Pro2393=; no amino-acid change (proline 2393 retained).
Molecular consequence: synonymous variant.
Genome position (GRCh38, 1-based): chr22:46,380,865, G>T on the plus strand (C>A on the coding strand, the complement: CELSR1 is on the minus strand). VCF-style: chr22-46380865-G-T. GRCh37 (hg19) VCF-style: chr22-46776762-G-T.
Other names: c.7179C>A, p.Pro2393= (NM_014246.4); c.7179C>A (NM_014246.1).
Identifiers: ClinVar variation 1298899 (VCV001298899.36), dbSNP rs140558529, ClinGen allele CA10293475.

ClinVar aggregate classification (germline): Benign. Review status: criteria provided, single submitter (1 of 4 stars). 2 submissions from 2 submitters: Benign (1). 1 of the submissions does not count toward it. Last evaluated 2022-09-01.

Conditions:
CELSR1-related disorder. Also called: CELSR1-related condition.

Allele frequency attached by ClinVar (database versions not stated): 1000 Genomes Project 30x 0.00016; 1000 Genomes Project 0.00020; ESP Exome Variant Server 0.00161.
gnomAD v4.1: 2,455 of 1,612,912 alleles (0.15%); highest among the groups gnomAD compares: Non-Finnish European, 0.14%; 10 homozygotes.

Submissions (2):

CeGaT Center for Human Genetics Tuebingen
Classification: Benign. Last evaluated: 2022-09-01. Review status: criteria provided, single submitter. Criteria: CeGaT Center For Human Genetics Tuebingen Variant Classification Criteria Version 2. Collection method: clinical testing. Allele origin: germline. Affected: yes. Observed: 3 variant alleles.
Comment: CELSR1: BS1, BS2

PreventionGenetics, part of Exact Sciences
Classification: Benign for CELSR1-related condition. Last evaluated: 2019-05-28. Review status: no assertion criteria provided. Collection method: clinical testing. Allele origin: germline. Not counted in ClinVar's aggregate classification.
Comment: This variant is classified as benign based on ACMG/AMP sequence variant interpretation guidelines (Richards et al. 2015 PMID: 25741868, with internal and published modifications).